The following is an entry in ClinVar:

NC_000023.10:g.(?_44894176)_(44896934_?)del

Gene: KDM6A (lysine demethylase 6A; plus strand). Cytogenetic location: Xp11.3.
Variant type: Deletion.
Identifiers: ClinVar variation 1071021 (VCV001071021.1).

ClinVar aggregate classification (germline): Pathogenic (1 of 4 stars; one submission).

Conditions:
Kabuki syndrome 2 (KABUK2). Also called: KDM6A-Related Kabuki Syndrome. Identifiers: Orphanet 2322, MedGen C3275495, MONDO:0010465, OMIM 300867.

Submission:

Labcorp Genetics (formerly Invitae), Labcorp
Classification: Pathogenic for Kabuki syndrome 2. Last evaluated: 2020-02-15. Review status: criteria provided, single submitter. Criteria: Invitae Variant Classification Sherloc (09022015). Collection method: clinical testing. Allele origin: germline.
Comment: This variant is an in-frame deletion of the genomic region encompassing exons 7-8 of the KDM6A gene. It preserves the integrity of the reading frame. This variant has been observed in individual(s) with clinical features of Kabuki syndrome (Invitae). In at least one individual the variant was observed to be de novo. For these reasons, this variant has been classified as Pathogenic.